The following is an entry in ClinVar:

NM_001394998.1(TANC2):c.*3034T>C

Gene: TANC2 (tetratricopeptide repeat, ankyrin repeat and coiled-coil containing 2; plus strand). Cytogenetic location: 17q23.3.
Variant type: single nucleotide variant.
Coding change: c.*3034T>C on transcript NM_001394998.1 (MANE Select); 3034 bases downstream of the stop codon, T replaced by C.
Molecular consequence: 3 prime UTR variant.
Genome position (GRCh38, 1-based): chr17:63,424,989, T>C. VCF-style: chr17-63424989-T-C. GRCh37 (hg19) VCF-style: chr17-61502350-T-C.
Other names: c.*3034T>C (NM_025185.4).
Identifiers: ClinVar variation 1696471 (VCV001696471.1), dbSNP rs2147457797, ClinGen allele CA2580094546.
Genomic context (GRCh38, chr17:63,424,989, plus strand): 5'-GATTTTAAAGTGCTTTTCCAGCAATGTTCTTAGGGACTCCTGAGACACGGTTACTTTATC[T>C]ACTGGATCAGTAAGGCACACAATTAACAATTAACAATTAATGTTTATTTACAAAGTAAAG-3'

ClinVar aggregate classification (germline): Uncertain significance (1 of 4 stars; one submission).

Conditions:
Intellectual developmental disorder with autistic features and language delay, with or without seizures. Identifiers: MedGen C5394447, MONDO:0030051, OMIM 618906.

Submission:

New York Genome Center
Classification: Uncertain significance for Intellectual developmental disorder with autistic features and language delay, with or without seizures. Last evaluated: 2021-06-23. Review status: criteria provided, single submitter. Criteria: NYGC Assertion Criteria 2020. Collection method: clinical testing. Allele origin: de novo. Observed: 1 heterozygote. Study: CSER-NYCKidSeq.
Comment: The c.*3034T>C variant is the substitution of a well conserved Thymine for Cytosine in the 3' Untranslated Region (3'UTR) of TANC2. This variant is absent from gnomAD(v3.1.1) suggesting it is not a common benign variant in the populations represented in that database. This variant is absent from ClinVar and to our current knowledge has not been reported in affected individuals in the literature. While it is identified de novo in the affected individual and absent from population databases, the lack of information regarding the functional consequence of the c.*3034T>C 3'UTR variant identified in the TANC2 gene results in its report as a Variant of Uncertain Significance.